The following is an entry in ClinVar:

ClinVar aggregate classification (germline): Uncertain significance. Review status: criteria provided, multiple submitters, no conflicts (2 of 4 stars). 4 submissions from 4 submitters: Uncertain significance (3). 1 of the submissions does not count toward it. Last evaluated 2024-05-08.

Conditions:
Alport syndrome. Also called: Hemorrhagic familial nephritis; Hemorrhagic hereditary nephritis; Congenital hereditary hematuria. Identifiers: Orphanet 63, MedGen C1567741, MONDO:0018965.

Allele frequency attached by ClinVar (database versions not stated): gnomAD exomes below 0.00001; TOPMed below 0.00001.
gnomAD v4.1: 3 of 1,608,778 alleles (0.00019%); highest among the groups gnomAD compares: Admixed American, 0.0017%; no homozygotes.

Submissions (4):

Blueprint Genetics
Classification: Uncertain significance. Last evaluated: 2024-05-08. Review status: criteria provided, single submitter. Criteria: ACMG Guidelines, 2015. Collection method: clinical testing. Allele origin: germline.

GeneDx
Classification: Uncertain significance. Last evaluated: 2023-09-29. Review status: criteria provided, single submitter. Criteria: GeneDx Variant Classification Process June 2021. Collection method: clinical testing. Allele origin: germline. Affected: yes.
Comment: Not observed at significant frequency in large population cohorts (gnomAD); In silico analysis is inconclusive as to whether the variant alters gene splicing; in the absence of RNA/functional studies the actual effect of this sequence change is unknown; Has not been previously published as pathogenic or benign to our knowledge

Labcorp Genetics (formerly Invitae), Labcorp
Classification: Uncertain significance. Last evaluated: 2022-11-04. Review status: criteria provided, single submitter. Criteria: Invitae Variant Classification Sherloc (09022015). Collection method: clinical testing. Allele origin: germline.
Comment: This variant is present in population databases (no rsID available, gnomAD 0.003%). In summary, the available evidence is currently insufficient to determine the role of this variant in disease. Therefore, it has been classified as a Variant of Uncertain Significance. Variants that disrupt the consensus splice site are a relatively common cause of aberrant splicing (PMID: 17576681, 9536098). Algorithms developed to predict the effect of sequence changes on RNA splicing suggest that this variant may disrupt the consensus splice site. ClinVar contains an entry for this variant (Variation ID: 1402303). This variant has not been reported in the literature in individuals affected with COL4A4-related conditions. This sequence change falls in intron 47 of the COL4A4 gene. It does not directly change the encoded amino acid sequence of the COL4A4 protein. It affects a nucleotide within the consensus splice site.

Natera, Inc.
Classification: Uncertain significance for Alport syndrome. Last evaluated: 2025-04-23. Review status: no assertion criteria provided. Collection method: clinical testing. Allele origin: germline. Not counted in ClinVar's aggregate classification.

Literature cited by the submitters: PubMed 17576681 (cited by Labcorp Genetics (formerly Invitae), Labcorp); PubMed 9536098 (cited by Labcorp Genetics (formerly Invitae), Labcorp).

NM_000092.5(COL4A4):c.4809+6T>A

Gene: COL4A4 (collagen type IV alpha 4 chain; minus strand). Cytogenetic location: 2q36.3.
Variant type: single nucleotide variant.
Coding change: c.4809+6T>A on transcript NM_000092.5 (MANE Select); 6 bases into the intron after coding-DNA position 4809, T replaced by A.
Molecular consequence: intron variant.
Genome position (GRCh38, 1-based): chr2:227,008,012, A>T on the plus strand (T>A on the coding strand, the complement: COL4A4 is on the minus strand). VCF-style: chr2-227008012-A-T. GRCh37 (hg19) VCF-style: chr2-227872728-A-T.
Other names: c.4809+6T>A (NM_000092.4).
Identifiers: ClinVar variation 1402303 (VCV001402303.9), dbSNP rs1469771734, ClinGen allele CA540312168.